The following is an entry in ClinVar:

ClinVar aggregate classification (germline): Uncertain significance (1 of 4 stars; one submission).

Submission:

Labcorp Genetics (formerly Invitae), Labcorp
Classification: Uncertain significance. Last evaluated: 2025-08-14. Review status: criteria provided, single submitter. Criteria: Invitae Variant Classification Sherloc (09022015). Collection method: clinical testing. Allele origin: germline.
Comment: This variant, c.1764_1766del, results in the deletion of 1 amino acid(s) of the EGF protein (p.Ser589del), but otherwise preserves the integrity of the reading frame. This variant is not present in population databases (gnomAD no frequency). This variant has not been reported in the literature in individuals affected with EGF-related conditions. In summary, the available evidence is currently insufficient to determine the role of this variant in disease. Therefore, it has been classified as a Variant of Uncertain Significance.

NM_001963.6(EGF):c.1764_1766del (p.Ser589del)

Gene: EGF (epidermal growth factor; plus strand). Cytogenetic location: 4q25.
Variant type: Deletion.
Coding change: c.1764_1766del on transcript NM_001963.6 (MANE Select); coding-DNA positions 1764 to 1766, 3 bases deleted (TTC; older notation c.1764_1766delTTC).
Protein change: p.Ser589del; deletes serine 589.
Genome position (GRCh38, 1-based): chr4:109,974,742-109,974,744, TTC deleted. VCF-style (leftmost placement, unchanged base first): chr4-109974741-GTTC-G. GRCh37 (hg19) VCF-style: chr4-110895897-GTTC-G.
Other names: c.1764_1766del, p.Ser589del (NM_001178130.3); c.1638_1640del, p.Ser547del (NM_001178131.3, NM_001357021.2); short protein forms S589del, S547del.
Identifiers: ClinVar variation 4766116 (VCV004766116.1).